The following is an entry in ClinVar:

NM_033310.3(KCNK4):c.728T>C (p.Leu243Pro)

Genes: KCNK4 (potassium two pore domain channel subfamily K member 4; plus strand), KCNK4-CATSPERZ (KCNK4-CATSPERZ readthrough (NMD candidate); plus strand). Cytogenetic location: 11q13.1.
Variant type: single nucleotide variant.
Coding change: c.728T>C on transcript NM_033310.3 (MANE Select); coding-DNA position 728, T replaced by C.
Protein change: p.Leu243Pro; replaces leucine 243 with proline.
Molecular consequence: missense variant. On other transcripts: non-coding transcript variant (3).
Genome position (GRCh38, 1-based): chr11:64,298,176, T>C. VCF-style: chr11-64298176-T-C. GRCh37 (hg19) VCF-style: chr11-64065648-T-C.
Other names: c.728T>C, p.Leu243Pro (NM_001317090.2); short protein forms L243P.
Identifiers: ClinVar variation 3772055 (VCV003772055.13).
Genomic context (GRCh38, chr11:64,298,176, plus strand): 5'-ACCCCAGGCAGGACTCCCCGGCCTATCAGCCGCTGGTGTGGTTCTGGATCCTGCTCGGCC[T>C]GGCTTACTTCGCCTCAGTGCTCACCACCATCGGGAACTGGCTGCGAGTAGTGTCCCGCCG-3'
Protein context (NP_201567.1, residues 233-253): PLVWFWILLG[Leu243Pro]AYFASVLTTI

ClinVar aggregate classification (germline): Likely pathogenic (1 of 4 stars; one submission).

Submission:

CeGaT Center for Human Genetics Tuebingen
Classification: Likely pathogenic. Last evaluated: 2024-12-01. Review status: criteria provided, single submitter. Criteria: CeGaT Center For Human Genetics Tuebingen Variant Classification Criteria Version 2. Collection method: clinical testing. Allele origin: germline. Affected: yes. Observed: 1 variant allele.
Comment: KCNK4: PS2, PM2